The following is an entry in ClinVar:

NC_000023.10:g.(?_132730458)_(132834066_?)dup

Gene: GPC3 (glypican 3; minus strand). Cytogenetic location: Xq26.2.
Variant type: Duplication.
Identifiers: ClinVar variation 3245657 (VCV003245657.1).

ClinVar aggregate classification (germline): Likely pathogenic (1 of 4 stars; one submission).

Conditions:
Wilms tumor 1 (WT1). Also called: Wilms tumor, somatic. Identifiers: Orphanet 654, MedGen CN033288, MONDO:0008679, OMIM 194070.

Submission:

Labcorp Genetics (formerly Invitae), Labcorp
Classification: Likely pathogenic for Wilms tumor 1. Last evaluated: 2023-08-16. Review status: criteria provided, single submitter. Criteria: Invitae Variant Classification Sherloc (09022015). Collection method: clinical testing. Allele origin: unknown.
Comment: This variant results in a copy number gain of the genomic region encompassing exon(s) 4-7 of the GPC3 gene. While the exact position of this variant cannot be determined from the data, sub-genic copy number gains are generally in tandem (PMID: 25640679). This variant is predicted to be out-of-frame, and may result in an absent or disrupted protein product. Loss-of-function variants in GPC3 are known to be pathogenic (PMID: 10402475, 12713262, 17603795). This variant has not been reported in the literature in individuals affected with GPC3-related conditions. In summary, the currently available evidence indicates that the variant is pathogenic, but additional data are needed to prove that conclusively. Therefore, this variant has been classified as Likely Pathogenic.

Literature cited by the submitters: PubMed 25640679; PubMed 10402475; PubMed 12713262; PubMed 17603795.